The following is an entry in ClinVar:

ClinVar aggregate classification (germline): Uncertain significance (1 of 4 stars; one submission).

Allele frequency attached by ClinVar (database versions not stated): gnomAD exomes below 0.00001; gnomAD 0.00001.
gnomAD v4.1: 3 of 1,605,918 alleles (0.00019%); highest among the groups gnomAD compares: African/African-American, 0.0013%; no homozygotes.

Submission:

GeneDx
Classification: Uncertain significance. Last evaluated: 2019-08-08. Review status: criteria provided, single submitter. Criteria: GeneDx Variant Classification Process June 2021. Collection method: clinical testing. Allele origin: germline. Affected: yes.
Comment: Not observed in large population cohorts (Lek et al., 2016); In silico analysis, which includes protein predictors and evolutionary conservation, supports a deleterious effect; Has not been previously published as pathogenic or benign to our knowledge

NM_001005388.3(NFASC):c.2422G>A (p.Gly808Arg)

Gene: NFASC (neurofascin; plus strand). Cytogenetic location: 1q32.1.
Variant type: single nucleotide variant.
Coding change: c.2422G>A on transcript NM_001005388.3 (MANE Select); coding-DNA position 2422, G replaced by A.
Protein change: p.Gly808Arg; replaces glycine 808 with arginine.
Molecular consequence: missense variant.
Genome position (GRCh38, 1-based): chr1:204,981,972, G>A. VCF-style: chr1-204981972-G-A. GRCh37 (hg19) VCF-style: chr1-204951100-G-A.
Other names: c.2455G>A, p.Gly819Arg (NM_001160331.2); c.2410G>A, p.Gly804Arg (NM_001160332.2, NM_001365986.1, NM_015090.4); c.2422G>A, p.Gly808Arg (NM_001378329.1); short protein forms G804R, G808R, G819R.
Identifiers: ClinVar variation 1307068 (VCV001307068.2), dbSNP rs2095516724, ClinGen allele CA344396600.